The following is an entry in ClinVar:

NM_001083962.2(TCF4):c.207+16C>G

Genes: TCF4 (transcription factor 4; minus strand), TCF4-AS1 (TCF4 antisense RNA 1; plus strand). Cytogenetic location: 18q21.2.
Variant type: single nucleotide variant.
Coding change: c.207+16C>G on transcript NM_001083962.2 (MANE Select); 16 bases into the intron after coding-DNA position 207, C replaced by G.
Molecular consequence: intron variant.
Genome position (GRCh38, 1-based): chr18:55,464,060, G>C on the plus strand (C>G on the coding strand, the complement: TCF4 is on the minus strand). VCF-style: chr18-55464060-G-C. GRCh37 (hg19) VCF-style: chr18-53131291-G-C.
Other names: c.513+16C>G (NM_001243226.3); c.135+16C>G (NM_001369584.1, NM_001369576.1, NM_001369577.1 and 15 more transcripts); c.207+16C>G (NM_001369571.1, NM_001369567.1, NM_001243228.2 and 8 more transcripts); c.201+16C>G (NM_001243230.2); c.81+16C>G (NM_001243231.2, NM_001348211.2).
Identifiers: ClinVar variation 378712 (VCV000378712.9), dbSNP rs372770124, ClinGen allele CA8970627.

ClinVar aggregate classification (germline): Likely benign. Review status: criteria provided, multiple submitters, no conflicts (2 of 4 stars). 3 submissions from 3 submitters: Likely benign (3). Last evaluated 2025-11-05.

Conditions:
Pitt-Hopkins syndrome (PTHS). Also called: ENCEPHALOPATHY, SEVERE EPILEPTIC, WITH AUTONOMIC DYSFUNCTION; MENTAL RETARDATION, SYNDROMAL, WITH INTERMITTENT HYPERVENTILATION. Identifiers: Orphanet 2896, MedGen C1970431, MONDO:0012589, OMIM 610954.

Allele frequency attached by ClinVar (database versions not stated): ExAC 0.00002; gnomAD exomes 0.00004 and 0.00006; TOPMed 0.00005; gnomAD 0.00006; ESP Exome Variant Server 0.00008.
gnomAD v4.1: 99 of 1,612,736 alleles (0.0061%); highest among the groups gnomAD compares: Non-Finnish European, 0.0077%; no homozygotes.

Submissions (3):

Labcorp Genetics (formerly Invitae), Labcorp
Classification: Likely benign for Pitt-Hopkins syndrome. Last evaluated: 2025-11-05. Review status: criteria provided, single submitter. Criteria: Invitae Variant Classification Sherloc (09022015). Collection method: clinical testing. Allele origin: germline.

Blueprint Genetics
Classification: Likely benign. Last evaluated: 2023-12-15. Review status: criteria provided, single submitter. Criteria: ACMG Guidelines, 2015. Collection method: clinical testing. Allele origin: germline.

GeneDx
Classification: Likely benign. Last evaluated: 2016-02-04. Review status: criteria provided, single submitter. Criteria: GeneDx Variant Classification (06012015). Collection method: clinical testing. Allele origin: germline. Affected: yes.
Comment: This variant is considered likely benign or benign based on one or more of the following criteria: it is a conservative change, it occurs at a poorly conserved position in the protein, it is predicted to be benign by multiple in silico algorithms, and/or has population frequency not consistent with disease.